The following is an entry in ClinVar:

NM_001375834.1(WIPF1):c.764C>A (p.Thr255Asn)

Gene: WIPF1 (WAS/WASL interacting protein family member 1; minus strand). Cytogenetic location: 2q31.1.
Variant type: single nucleotide variant.
Coding change: c.764C>A on transcript NM_001375834.1 (MANE Select); coding-DNA position 764, C replaced by A.
Protein change: p.Thr255Asn; replaces threonine 255 with asparagine.
Molecular consequence: missense variant.
Genome position (GRCh38, 1-based): chr2:174,572,041, G>T on the plus strand (C>A on the coding strand, the complement: WIPF1 is on the minus strand). VCF-style: chr2-174572041-G-T. GRCh37 (hg19) VCF-style: chr2-175436769-G-T.
Other names: c.764C>A, p.Thr255Asn (NM_001077269.1, NM_001375832.1, NM_001375833.1 and 5 more transcripts); c.386C>A, p.Thr129Asn (NM_001375839.1); short protein forms T129N, T255N.
Identifiers: ClinVar variation 2008032 (VCV002008032.4), dbSNP rs2468473795, ClinGen allele CA349341796.

ClinVar aggregate classification (germline): Uncertain significance (1 of 4 stars; one submission).

Conditions:
Wiskott-Aldrich syndrome 2 (WAS2). Also called: WIPF1 DEFICIENCY. Identifiers: Orphanet 906, MedGen C3281001, MONDO:0013779, OMIM 614493.

Submission:

Labcorp Genetics (formerly Invitae), Labcorp
Classification: Uncertain significance for Wiskott-Aldrich syndrome 2. Last evaluated: 2022-06-18. Review status: criteria provided, single submitter. Criteria: Invitae Variant Classification Sherloc (09022015). Collection method: clinical testing. Allele origin: germline.
Comment: In summary, the available evidence is currently insufficient to determine the role of this variant in disease. Therefore, it has been classified as a Variant of Uncertain Significance. Algorithms developed to predict the effect of missense changes on protein structure and function are either unavailable or do not agree on the potential impact of this missense change (SIFT: "Not Available"; PolyPhen-2: "Benign"; Align-GVGD: "Not Available"). This variant has not been reported in the literature in individuals affected with WIPF1-related conditions. This variant is not present in population databases (gnomAD no frequency). This sequence change replaces threonine, which is neutral and polar, with asparagine, which is neutral and polar, at codon 255 of the WIPF1 protein (p.Thr255Asn).